The following is an entry in ClinVar:

ClinVar aggregate classification (germline): Likely benign (1 of 4 stars; one submission).

Submission:

CeGaT Center for Human Genetics Tuebingen
Classification: Likely benign. Last evaluated: 2025-03-01. Review status: criteria provided, single submitter. Criteria: CeGaT Center For Human Genetics Tuebingen Variant Classification Criteria Version 2. Collection method: clinical testing. Allele origin: germline. Affected: yes. Observed: 3 variant alleles.
Comment: MICALCL: BP4, BP7

NM_001393937.1(MICAL2):c.5172T>C (p.Pro1724=)

Genes: MICAL2 (microtubule associated monooxygenase, calponin and LIM domain containing 2; plus strand), MICALCL (MICAL C-terminal like; plus strand). Cytogenetic location: 11p15.3.
Variant type: single nucleotide variant.
Coding change: c.5172T>C on transcript NM_001393937.1; coding-DNA position 5172, T replaced by C.
Protein change: p.Pro1724=; no amino-acid change (proline 1724 retained).
Molecular consequence: synonymous variant.
Genome position (GRCh38, 1-based): chr11:12,294,817, T>C. VCF-style: chr11-12294817-T-C. GRCh37 (hg19) VCF-style: chr11-12316364-T-C.
Identifiers: ClinVar variation 2641614 (VCV002641614.22), dbSNP rs200708492, ClinGen allele CA5890642.